The following is an entry in ClinVar:

NM_022437.3(ABCG8):c.1756+15C>T

Gene: ABCG8 (ATP binding cassette subfamily G member 8; plus strand). Cytogenetic location: 2p21.
Variant type: single nucleotide variant.
Coding change: c.1756+15C>T on transcript NM_022437.3 (MANE Select); 15 bases into the intron after coding-DNA position 1756, C replaced by T.
Molecular consequence: intron variant.
Genome position (GRCh38, 1-based): chr2:43,875,428, C>T. VCF-style: chr2-43875428-C-T. GRCh37 (hg19) VCF-style: chr2-44102567-C-T.
Other names: c.1753+15C>T (NM_001357321.2).
Identifiers: ClinVar variation 336089 (VCV000336089.16), dbSNP rs78577353, ClinGen allele CA1637624.

ClinVar aggregate classification (germline): Benign/Likely benign. Review status: criteria provided, multiple submitters, no conflicts (2 of 4 stars). 5 submissions from 5 submitters: Benign (2); Likely benign (3). Last evaluated 2026-02-04.

Conditions:
Sitosterolemia 1. Identifiers: MedGen C2749759, MONDO:0020747, OMIM 210250.

Allele frequency attached by ClinVar (database versions not stated): 1000 Genomes Project 0.01098; TOPMed 0.01099; ESP Exome Variant Server 0.01215; 1000 Genomes Project 30x 0.01218.
gnomAD v4.1: 3,114 of 1,609,640 alleles (0.19%); highest among the groups gnomAD compares: African/African-American, 3.7%; 57 homozygotes.

Submissions (5):

Labcorp Genetics (formerly Invitae), Labcorp
Classification: Benign. Last evaluated: 2026-02-04. Review status: criteria provided, single submitter. Criteria: Invitae Variant Classification Sherloc (09022015). Collection method: clinical testing. Allele origin: germline.

Women's Health and Genetics/Laboratory Corporation of America, LabCorp
Classification: Likely benign. Last evaluated: 2024-07-27. Review status: criteria provided, single submitter. Criteria: LabCorp Variant Classification Summary - May 2015. Collection method: clinical testing. Allele origin: germline.

GeneDx
Classification: Likely benign. Last evaluated: 2018-07-09. Review status: criteria provided, single submitter. Criteria: GeneDx Variant Classification Process June 2021. Collection method: clinical testing. Allele origin: germline. Affected: yes.

Illumina Laboratory Services, Illumina
Classification: Benign for Sitosterolemia 1. Last evaluated: 2018-01-13. Review status: criteria provided, single submitter. Criteria: ICSL Variant Classification Criteria 13 December 2019. Collection method: clinical testing. Allele origin: germline.
Comment: This variant was observed in the ICSL laboratory as part of a predisposition screen in an ostensibly healthy population. It had not been previously curated by ICSL or reported in the Human Gene Mutation Database (HGMD: prior to June 1st, 2018), and was therefore a candidate for classification through an automated scoring system. Utilizing variant allele frequency, disease prevalence and penetrance estimates, and inheritance mode, an automated score was calculated to assess if this variant is too frequent to cause the disease. Based on the score and internal cut-off values, a variant classified as benign is not then subjected to further curation. The score for this variant resulted in a classification of benign for this disease.

Breakthrough Genomics
Classification: Likely benign. Review status: criteria provided, single submitter. Criteria: ACMG Guidelines, 2015. Collection method: not provided. Allele origin: germline. Inheritance: Autosomal recessive inheritance. Affected: yes.